The following is an entry in ClinVar:

NM_201548.5(CERKL):c.242A>C (p.Asp81Ala)

Gene: CERKL (CERK like autophagy regulator; minus strand). Cytogenetic location: 2q31.3.
Variant type: single nucleotide variant.
Coding change: c.242A>C on transcript NM_201548.5 (MANE Select); coding-DNA position 242, A replaced by C.
Protein change: p.Asp81Ala; replaces aspartic acid 81 with alanine.
Molecular consequence: missense variant. On other transcripts: non-coding transcript variant (2).
Genome position (GRCh38, 1-based): chr2:181,604,076, T>G on the plus strand (A>C on the coding strand, the complement: CERKL is on the minus strand). VCF-style: chr2-181604076-T-G. GRCh37 (hg19) VCF-style: chr2-182468803-T-G.
Other names: c.242A>C, p.Asp81Ala (NM_001030311.3, NM_001030312.3, NM_001030313.3 and 1 more transcripts); short protein forms D81A.
Identifiers: ClinVar variation 257150 (VCV000257150.23), dbSNP rs61750041, ClinGen allele CA2010883.
Genomic context (GRCh38, chr2:181,604,076, plus strand): 5'-ACAGAGAATATGTCTTTGAGTTCAATAAATTCTTCTTTACATAGCAAGTCATACTTAGAA[T>G]CACCTGAAAAAAAAATAAATTTTCCAATTAAAACCATTGTGTTTCATAGAGAGGAACAAC-3'
Protein context (NP_963842.1, residues 71-91): RPIQPERPAG[Asp81Ala]SKYDLLCKEE

ClinVar aggregate classification (germline): Benign. Review status: criteria provided, multiple submitters, no conflicts (2 of 4 stars). 10 submissions from 10 submitters: Benign (7). 3 of the submissions do not count toward it. Last evaluated 2026-02-04.

Conditions:
Retinitis pigmentosa 26 (RP26). Identifiers: Orphanet 791, MedGen C1842127, MONDO:0012024, OMIM 608380.
Retinitis pigmentosa (RP). Identifiers: Orphanet 791, MedGen C0035334, MeSH D012174, MONDO:0019200, OMIM 268000. Inheritance: Autosomal dominant, autosomal recessive and X linked inheritance.
Retinal dystrophy. Also called: Inherited retinal dystrophy. Identifiers: Orphanet 71862, MedGen C0854723, MeSH D058499, MONDO:0019118, HP:0000556.

Allele frequency attached by ClinVar (database versions not stated): ESP Exome Variant Server 0.12231; TOPMed 0.13353; ExAC 0.14648; gnomAD 0.15130; 1000 Genomes Project 30x 0.15584; 1000 Genomes Project 0.15595.
gnomAD v4.1: 218,074 of 1,591,672 alleles (14%); highest among the groups gnomAD compares: East Asian, 24%; 16,562 homozygotes.

Submissions (10):

Labcorp Genetics (formerly Invitae), Labcorp
Classification: Benign. Last evaluated: 2026-02-04. Review status: criteria provided, single submitter. Criteria: Invitae Variant Classification Sherloc (09022015). Collection method: clinical testing. Allele origin: germline.

Dept Of Ophthalmology, Nagoya University
Classification: Benign for Retinal dystrophy. Last evaluated: 2023-10-01. Review status: criteria provided, single submitter. Criteria: Submitter's publication. Collection method: research. Allele origin: germline. Affected: yes.

Genome-Nilou Lab
Classification: Benign for Retinitis pigmentosa 26. Last evaluated: 2021-07-10. Review status: criteria provided, single submitter. Criteria: ACMG Guidelines, 2015. Collection method: clinical testing. Allele origin: germline. Affected: no.

Illumina Laboratory Services, Illumina
Classification: Benign for Retinitis pigmentosa. Last evaluated: 2018-03-06. Review status: criteria provided, single submitter. Criteria: ICSL Variant Classification Criteria 13 December 2019. Collection method: clinical testing. Allele origin: germline.
Comment: This variant was observed in the ICSL laboratory as part of a predisposition screen in an ostensibly healthy population. It had not been previously curated by ICSL or reported in the Human Gene Mutation Database (HGMD: prior to June 1st, 2018), and was therefore a candidate for classification through an automated scoring system. Utilizing variant allele frequency, disease prevalence and penetrance estimates, and inheritance mode, an automated score was calculated to assess if this variant is too frequent to cause the disease. Based on the score and internal cut-off values, a variant classified as benign is not then subjected to further curation. The score for this variant resulted in a classification of benign for this disease.

GeneDx
Classification: Benign. Last evaluated: 2016-12-09. Review status: criteria provided, single submitter. Criteria: GeneDx Variant Classification (06012015). Collection method: clinical testing. Allele origin: germline. Affected: yes.
Comment: This variant is considered likely benign or benign based on one or more of the following criteria: it is a conservative change, it occurs at a poorly conserved position in the protein, it is predicted to be benign by multiple in silico algorithms, and/or has population frequency not consistent with disease.

Breakthrough Genomics
Classification: Benign. Review status: criteria provided, single submitter. Criteria: ACMG Guidelines, 2015. Collection method: not provided. Allele origin: germline. Inheritance: Autosomal recessive inheritance. Affected: yes.

PreventionGenetics, part of Exact Sciences
Classification: Benign. Review status: criteria provided, single submitter. Criteria: ACMG Guidelines, 2015. Collection method: clinical testing. Allele origin: germline.

Natera, Inc.
Classification: Benign for Retinitis pigmentosa type 26. Last evaluated: 2020-09-16. Review status: no assertion criteria provided. Collection method: clinical testing. Allele origin: germline. Not counted in ClinVar's aggregate classification.

Clinical Genetics DNA and cytogenetics Diagnostics Lab, Erasmus MC, Erasmus Medical Center
Classification: Benign. Review status: no assertion criteria provided. Collection method: clinical testing. Allele origin: germline. Affected: yes. Study: VKGL Data-share Consensus. Not counted in ClinVar's aggregate classification.

Joint Genome Diagnostic Labs from Nijmegen and Maastricht, Radboudumc and MUMC+
Classification: Benign. Review status: no assertion criteria provided. Collection method: clinical testing. Allele origin: germline. Affected: yes. Study: VKGL Data-share Consensus. Not counted in ClinVar's aggregate classification.